The following is an entry in ClinVar:

NM_001166108.2(PALLD):c.*40G>C

Genes: CBR4 (carbonyl reductase 4; minus strand), PALLD (palladin, cytoskeletal associated protein; plus strand). Cytogenetic location: 4q32.3.
Variant type: single nucleotide variant.
Coding change: c.*40G>C on transcript NM_001166108.2 (MANE Select); 40 bases downstream of the stop codon, G replaced by C.
Molecular consequence: 3 prime UTR variant. On other transcripts: missense variant (4).
Genome position (GRCh38, 1-based): chr4:168,926,220, G>C. VCF-style: chr4-168926220-G-C. GRCh37 (hg19) VCF-style: chr4-169847371-G-C.
Other names: c.2169G>C, p.Trp723Cys (NM_001166109.2); c.1854G>C, p.Trp618Cys (NM_001166110.2); c.*40G>C (NM_001367567.1, NM_001367570.1, NM_016081.4); c.1245G>C, p.Trp415Cys (NM_001367568.1); c.1194G>C, p.Trp398Cys (NM_001367569.1); c.1854G>C (NM_001166110.1); short protein forms W398C, W415C, W618C, W723C.
Identifiers: ClinVar variation 1062585 (VCV001062585.10), dbSNP rs2126617157, ClinGen allele CA358715502.

ClinVar aggregate classification (germline): Uncertain significance. Review status: criteria provided, multiple submitters, no conflicts (2 of 4 stars). 2 submissions from 2 submitters: Uncertain significance (2). Last evaluated 2025-05-02.

Conditions:
Pancreatic adenocarcinoma. Identifiers: MedGen C0281361, MONDO:0006047, HP:0006725.

Allele frequency attached by ClinVar (database versions not stated): gnomAD exomes below 0.00001.
gnomAD v4.1: 1 of 1,530,844 alleles (0.000065%); highest among the groups gnomAD compares: Non-Finnish European, 0.000087%; no homozygotes.

Submissions (2):

Ambry Genetics
Classification: Uncertain significance. Last evaluated: 2025-05-02. Review status: criteria provided, single submitter. Criteria: Ambry Variant Classification Scheme 2023. Collection method: clinical testing. Allele origin: germline.
Comment: The p.W618C variant (also known as c.1854G>C), located in coding exon 11 of the PALLD gene, results from a G to C substitution at nucleotide position 1854. The tryptophan at codon 618 is replaced by cysteine, an amino acid with highly dissimilar properties. This amino acid position is conserved. In addition, this alteration is predicted to be deleterious by in silico analysis. Based on the available evidence, the clinical significance of this variant remains unclear.

Labcorp Genetics (formerly Invitae), Labcorp
Classification: Uncertain significance for Pancreatic adenocarcinoma. Last evaluated: 2020-09-02. Review status: criteria provided, single submitter. Criteria: Invitae Variant Classification Sherloc (09022015). Collection method: clinical testing. Allele origin: germline.
Comment: In summary, the available evidence is currently insufficient to determine the role of this variant in disease. Therefore, it has been classified as a Variant of Uncertain Significance. Algorithms developed to predict the effect of missense changes on protein structure and function (SIFT, PolyPhen-2, Align-GVGD) all suggest that this variant is likely to be tolerated, but these predictions have not been confirmed by published functional studies and their clinical significance is uncertain. This variant has not been reported in the literature in individuals with PALLD-related conditions. This variant is not present in population databases (ExAC no frequency). This sequence change replaces tryptophan with cysteine at codon 618 of the PALLD protein (p.Trp618Cys). The tryptophan residue is weakly conserved and there is a large physicochemical difference between tryptophan and cysteine.